The following is an entry in ClinVar:

NM_000038.6(APC):c.135+4777T>A

Gene: APC (APC regulator of WNT signaling pathway; plus strand). Cytogenetic location: 5q22.2.
Variant type: single nucleotide variant.
Coding change: c.135+4777T>A on transcript NM_000038.6 (MANE Select); 4777 bases into the intron after coding-DNA position 135, T replaced by A.
Molecular consequence: intron variant.
Genome position (GRCh38, 1-based): chr5:112,759,802, T>A. VCF-style: chr5-112759802-T-A. GRCh37 (hg19) VCF-style: chr5-112095499-T-A.
Other names: c.135+4777T>A (NM_001354895.2, NM_001127510.3, NM_001354896.2 and 2 more transcripts); c.166-6524T>A (NM_001354897.2, NM_001354902.2, NM_001127511.3); c.61-6524T>A (NM_001354898.2, NM_001354904.2); c.-901+4777T>A (NM_001354906.2); c.-42-6524T>A (NM_001354900.2, NM_001354901.2, NM_001354905.2).
Identifiers: ClinVar variation 82834 (VCV000082834.2), dbSNP rs79703980, ClinGen allele CA004408.

ClinVar aggregate classification (germline): other (0 of 4 stars; one submission).

Conditions:
Familial colorectal cancer. Identifiers: MedGen CN280943, MONDO:0023113. Disease mechanism: loss of function.

Submission:

Systems Biology Platform Zhejiang California International NanoSystems Institute
Classification: other for Familial colorectal cancer. Review status: no assertion criteria provided. Collection method: not provided. Allele origin: unknown.
ClinVar note: Converted during submission from cancer to other.